The following is an entry in ClinVar:

NM_001083962.2(TCF4):c.1171G>T (p.Glu391Ter)

Gene: TCF4 (transcription factor 4; minus strand). Cytogenetic location: 18q21.2.
Variant type: single nucleotide variant.
Coding change: c.1171G>T on transcript NM_001083962.2 (MANE Select); coding-DNA position 1171, G replaced by T.
Protein change: p.Glu391Ter; replaces glutamic acid 391 with a stop codon.
Molecular consequence: nonsense.
Genome position (GRCh38, 1-based): chr18:55,254,676, C>A on the plus strand (G>T on the coding strand, the complement: TCF4 is on the minus strand). VCF-style: chr18-55254676-C-A. GRCh37 (hg19) VCF-style: chr18-52921907-C-A.
Other names: c.958G>T, p.Glu320Ter (NM_001306208.1, NM_001243232.1); c.1168G>T, p.Glu390Ter (NM_001330604.3, NM_001369569.1, NM_001369570.1 and 2 more transcripts); c.781G>T, p.Glu261Ter (NM_001330605.3, NM_001348212.2, NM_001348213.2 and 1 more transcripts); c.1045G>T, p.Glu349Ter (NM_001348211.2, NM_001243231.2); c.688G>T, p.Glu230Ter (NM_001348214.2); c.523G>T, p.Glu175Ter (NM_001348215.2); c.691G>T, p.Glu231Ter (NM_001348216.2, NM_001243234.2, NM_001243235.2 and 1 more transcripts); c.1099G>T, p.Glu367Ter (NM_001348217.1, NM_001243227.2, NM_001306207.1 and 5 more transcripts); and 6 more; short protein forms E175*, E230*, E231*, E261*, E320*, E349*, E366*, E367*.
Identifiers: ClinVar variation 1072183 (VCV001072183.7), dbSNP rs1555764797, ClinGen allele CA402533875.
Genomic context (GRCh38, chr18:55,254,676, plus strand): 5'-TAGCTGTGGATGGGCCCACTGCATGGTTCCGGAGAACATGAATAGCATCATCCAGTCTTT[C>A]TAAACGATCTTCAATTCGGCTTTGCTGTTGGTTAACAAATGATGTAAAATTTGATTTAGT-3'

ClinVar aggregate classification (germline): Pathogenic (1 of 4 stars; one submission).

Conditions:
Pitt-Hopkins syndrome (PTHS). Also called: MENTAL RETARDATION, SYNDROMAL, WITH INTERMITTENT HYPERVENTILATION; ENCEPHALOPATHY, SEVERE EPILEPTIC, WITH AUTONOMIC DYSFUNCTION. Identifiers: Orphanet 2896, MedGen C1970431, MONDO:0012589, OMIM 610954.

Submission:

Labcorp Genetics (formerly Invitae), Labcorp
Classification: Pathogenic for Pitt-Hopkins syndrome. Last evaluated: 2020-08-14. Review status: criteria provided, single submitter. Criteria: Invitae Variant Classification Sherloc (09022015). Collection method: clinical testing. Allele origin: germline.
Comment: For these reasons, this variant has been classified as Pathogenic. Loss-of-function variants in TCF4 are known to be pathogenic (PMID: 18728071, 22045651). This variant has not been reported in the literature in individuals with TCF4-related conditions. This variant is not present in population databases (ExAC no frequency). This sequence change creates a premature translational stop signal (p.Glu391*) in the TCF4 gene. It is expected to result in an absent or disrupted protein product.

Literature cited by the submitters: PubMed 18728071; PubMed 22045651.